The following is an entry in ClinVar:

ClinVar aggregate classification (germline): Uncertain significance. Review status: criteria provided, multiple submitters, no conflicts (2 of 4 stars). 2 submissions from 2 submitters: Uncertain significance (2). Last evaluated 2023-05-15.

Conditions:
Brody myopathy. Also called: BRODY DISEASE. Identifiers: Orphanet 53347, MedGen C1832918, MONDO:0010977, OMIM 601003.

Allele frequency attached by ClinVar (database versions not stated): gnomAD 0.00001; TOPMed 0.00001; ExAC 0.00002; gnomAD exomes 0.00002.
gnomAD v4.1: 28 of 1,614,000 alleles (0.0017%); highest among the groups gnomAD compares: Middle Eastern, 0.016%; no homozygotes.

Submissions (2):

Revvity Omics, Revvity
Classification: Uncertain significance for Brody myopathy. Last evaluated: 2023-05-15. Review status: criteria provided, single submitter. Criteria: ACMG Guidelines, 2015. Collection method: clinical testing. Allele origin: germline.

Labcorp Genetics (formerly Invitae), Labcorp
Classification: Uncertain significance for Brody myopathy. Last evaluated: 2019-11-12. Review status: criteria provided, single submitter. Criteria: Invitae Variant Classification Sherloc (09022015). Collection method: clinical testing. Allele origin: germline.
Comment: In summary, the available evidence is currently insufficient to determine the role of this variant in disease. Therefore, it has been classified as a Variant of Uncertain Significance. Algorithms developed to predict the effect of missense changes on protein structure and function are either unavailable or do not agree on the potential impact of this missense change (SIFT: "Deleterious"; PolyPhen-2: "Probably Damaging"; Align-GVGD: "Class C0"). This variant has not been reported in the literature in individuals with ATP2A1-related conditions. This variant is present in population databases (rs762220295, ExAC 0.02%). This sequence change replaces glutamic acid with lysine at codon 429 of the ATP2A1 protein (p.Glu429Lys). The glutamic acid residue is highly conserved and there is a small physicochemical difference between glutamic acid and lysine.

NM_004320.6(ATP2A1):c.1285G>A (p.Glu429Lys)

Gene: ATP2A1 (ATPase sarcoplasmic/endoplasmic reticulum Ca2+ transporting 1; plus strand). Cytogenetic location: 16p11.2.
Variant type: single nucleotide variant.
Coding change: c.1285G>A on transcript NM_004320.6 (MANE Select); coding-DNA position 1285, G replaced by A.
Protein change: p.Glu429Lys; replaces glutamic acid 429 with lysine.
Molecular consequence: missense variant.
Genome position (GRCh38, 1-based): chr16:28,894,605, G>A. VCF-style: chr16-28894605-G-A. GRCh37 (hg19) VCF-style: chr16-28905926-G-A.
Other names: c.910G>A, p.Glu304Lys (NM_001286075.2); c.1285G>A, p.Glu429Lys (NM_173201.5); c.1285G>A (NM_173201.4); short protein forms E304K, E429K.
Identifiers: ClinVar variation 970537 (VCV000970537.10), dbSNP rs762220295, ClinGen allele CA7986906.